The following is an entry in ClinVar:

ClinVar aggregate classification (germline): Uncertain significance. Review status: criteria provided, multiple submitters, no conflicts (2 of 4 stars). 2 submissions from 2 submitters: Uncertain significance (2). Last evaluated 2024-11-18.

Conditions:
Inborn genetic diseases. Identifiers: MedGen C0950123, MeSH D030342.

Allele frequency attached by ClinVar (database versions not stated): gnomAD 0.00001; ExAC 0.00002; gnomAD exomes 0.00002; TOPMed 0.00002.
gnomAD v4.1: 45 of 1,613,918 alleles (0.0028%); highest among the groups gnomAD compares: Non-Finnish European, 0.0036%; no homozygotes.

Submissions (2):

Labcorp Genetics (formerly Invitae), Labcorp
Classification: Uncertain significance. Last evaluated: 2024-11-18. Review status: criteria provided, single submitter. Criteria: Invitae Variant Classification Sherloc (09022015). Collection method: clinical testing. Allele origin: germline.
Comment: This sequence change replaces alanine, which is neutral and non-polar, with threonine, which is neutral and polar, at codon 136 of the ANKH protein (p.Ala136Thr). This variant is present in population databases (rs764910926, gnomAD 0.007%). This variant has not been reported in the literature in individuals affected with ANKH-related conditions. ClinVar contains an entry for this variant (Variation ID: 1427009). Invitae Evidence Modeling of protein sequence and biophysical properties (such as structural, functional, and spatial information, amino acid conservation, physicochemical variation, residue mobility, and thermodynamic stability) indicates that this missense variant is not expected to disrupt ANKH protein function with a negative predictive value of 80%. In summary, the available evidence is currently insufficient to determine the role of this variant in disease. Therefore, it has been classified as a Variant of Uncertain Significance.

Ambry Genetics
Classification: Uncertain significance for Inborn genetic diseases. Last evaluated: 2023-07-31. Review status: criteria provided, single submitter. Criteria: Ambry Variant Classification Scheme 2023. Collection method: clinical testing. Allele origin: germline.

NM_054027.6(ANKH):c.406G>A (p.Ala136Thr)

Gene: ANKH (ANKH inorganic pyrophosphate transport regulator; minus strand). Cytogenetic location: 5p15.2.
Variant type: single nucleotide variant.
Coding change: c.406G>A on transcript NM_054027.6 (MANE Select); coding-DNA position 406, G replaced by A.
Protein change: p.Ala136Thr; replaces alanine 136 with threonine.
Molecular consequence: missense variant.
Genome position (GRCh38, 1-based): chr5:14,758,506, C>T on the plus strand (G>A on the coding strand, the complement: ANKH is on the minus strand). VCF-style: chr5-14758506-C-T. GRCh37 (hg19) VCF-style: chr5-14758615-C-T.
Other names: c.406G>A (NM_054027.4); short protein forms A136T.
Identifiers: ClinVar variation 1427009 (VCV001427009.9), dbSNP rs764910926, ClinGen allele CA3209138.